The following is an entry in ClinVar:

NM_007294.3:c.2301_2302insALU

Gene: BRCA1 (BRCA1 DNA repair associated; minus strand).
Variant type: Insertion.
Identifiers: ClinVar variation 1789294 (VCV001789294.3).

ClinVar aggregate classification (germline): Likely pathogenic (1 of 4 stars; one submission).

Conditions:
Hereditary cancer-predisposing syndrome. Also called: Hereditary Cancer Syndrome; Hereditary neoplastic syndrome; Tumor predisposition; Neoplastic Syndromes, Hereditary. Identifiers: Orphanet 140162, MedGen C0027672, MeSH D009386, MONDO:0015356.

Submission:

Ambry Genetics
Classification: Likely pathogenic for Hereditary cancer-predisposing syndrome. Last evaluated: 2024-10-10. Review status: criteria provided, single submitter. Criteria: Ambry Variant Classification Scheme 2023. Collection method: clinical testing. Allele origin: germline.
Comment: The c.2301_2302insAlu likely pathogenic variant results from the insertion of an Alu element between nucleotides 2301 and 2302 in coding exon 9 of the BRCA1 gene. Mobile element insertions contribute to pathogenicity by either disrupting the coding sequence or inducing aberrant splicing (Belancio VP et al. Semin. Cancer Biol. 2010 Aug;20:200-10; Deininger P et al. Genome Biol. 2011 Dec;12:236; van der Klift HM. Hum Mutat. 2012 Jul;33(7):1051-5). Based on the majority of available evidence to date, this variant is likely to be pathogenic.